The following is an entry in ClinVar:

ClinVar aggregate classification (germline): Uncertain significance (1 of 4 stars; one submission).

Conditions:
Tessadori-van Haaften neurodevelopmental syndrome 1 (TEBIVANED1). Also called: TESSADORI-BICKNELL-VAN HAAFTEN NEURODEVELOPMENTAL SYNDROME 1. Identifiers: MedGen C5676922, MONDO:0030729, OMIM 619758.

Submission:

Juno Genomics, Hangzhou Juno Genomics, Inc
Classification: Uncertain significance for Tessadori-van Haaften neurodevelopmental syndrome 1. Review status: criteria provided, single submitter. Criteria: ACMG Guidelines, 2015. Collection method: clinical testing. Allele origin: germline.
Comment: Absent from controls (or at extremely low frequency if recessive) in Genome Aggregation Database.;Multiple lines of computational evidence support a deleterious effect on the gene or gene product.

NM_003542.4(H4C3):c.175C>T (p.Leu59Phe)

Gene: H4C3 (H4 clustered histone 3; plus strand). Cytogenetic location: 6p22.2.
Variant type: single nucleotide variant.
Coding change: c.175C>T on transcript NM_003542.4 (MANE Select); coding-DNA position 175, C replaced by T.
Protein change: p.Leu59Phe; replaces leucine 59 with phenylalanine.
Molecular consequence: missense variant.
Genome position (GRCh38, 1-based): chr6:26,104,122, C>T. VCF-style: chr6-26104122-C-T. GRCh37 (hg19) VCF-style: chr6-26104350-C-T.
Other names: short protein forms L59F.
Identifiers: ClinVar variation 5007003 (VCV005007003.2).